The following is an entry in ClinVar:

ClinVar aggregate classification (germline): Uncertain significance (1 of 4 stars; one submission).

Submission:

Greenwood Genetic Center Diagnostic Laboratories, Greenwood Genetic Center
Classification: Uncertain significance. Last evaluated: 2024-09-19. Review status: criteria provided, single submitter. Criteria: ACMG Guidelines, 2015. Collection method: clinical testing. Allele origin: germline. Affected: yes.
Comment: Gene of Uncertain Significance

NM_014496.5(RPS6KA6):c.1907G>C (p.Arg636Pro)

Gene: RPS6KA6 (ribosomal protein S6 kinase A6; minus strand). Cytogenetic location: Xq21.1.
Variant type: single nucleotide variant.
Coding change: c.1907G>C on transcript NM_014496.5 (MANE Select); coding-DNA position 1907, G replaced by C.
Protein change: p.Arg636Pro; replaces arginine 636 with proline.
Molecular consequence: missense variant.
Genome position (GRCh38, 1-based): chrX:84,096,258, C>G on the plus strand (G>C on the coding strand, the complement: RPS6KA6 is on the minus strand). VCF-style: chrX-84096258-C-G. GRCh37 (hg19) VCF-style: chrX-83351266-C-G.
Other names: c.1907G>C, p.Arg636Pro (NM_001330512.1); short protein forms R636P.
Identifiers: ClinVar variation 3765651 (VCV003765651.1).